The following is an entry in ClinVar:

ClinVar aggregate classification (germline): Uncertain significance (1 of 4 stars; one submission).

Conditions:
Pierson syndrome. Also called: MICROCORIA-CONGENITAL NEPHROTIC SYNDROME. Identifiers: Orphanet 2670, MedGen C1836876, MONDO:0012184, OMIM 609049.
LAMB2-related infantile-onset nephrotic syndrome. Also called: Nephrotic Syndrome, type 5; NEPHROTIC SYNDROME, TYPE 5, WITHOUT OCULAR ABNORMALITIES; NEPHROTIC SYNDROME, TYPE 5, WITH OCULAR ABNORMALITIES. Identifiers: Orphanet 306507, MedGen C3280113, MONDO:0013621, OMIM 614199.

Submission:

Labcorp Genetics (formerly Invitae), Labcorp
Classification: Uncertain significance for LAMB2-related infantile-onset nephrotic syndrome; Pierson syndrome. Last evaluated: 2022-02-09. Review status: criteria provided, single submitter. Criteria: Invitae Variant Classification Sherloc (09022015). Collection method: clinical testing. Allele origin: germline.
Comment: In summary, the available evidence is currently insufficient to determine the role of this variant in disease. Therefore, it has been classified as a Variant of Uncertain Significance. Algorithms developed to predict the effect of sequence changes on RNA splicing suggest that this variant may disrupt the consensus splice site. This variant has been observed in individual(s) with clinical features of nephrotic syndrome (Invitae). This variant is not present in population databases (gnomAD no frequency). This sequence change falls in intron 7 of the LAMB2 gene. It does not directly change the encoded amino acid sequence of the LAMB2 protein.

NM_002292.4(LAMB2):c.916-10A>G

Gene: LAMB2 (laminin subunit beta 2; minus strand). Cytogenetic location: 3p21.31.
Variant type: single nucleotide variant.
Coding change: c.916-10A>G on transcript NM_002292.4 (MANE Select); 10 bases into the intron before coding-DNA position 916, A replaced by G.
Molecular consequence: intron variant.
Genome position (GRCh38, 1-based): chr3:49,130,870, T>C on the plus strand (A>G on the coding strand, the complement: LAMB2 is on the minus strand). VCF-style: chr3-49130870-T-C. GRCh37 (hg19) VCF-style: chr3-49168303-T-C.
Identifiers: ClinVar variation 2095672 (VCV002095672.4), dbSNP rs2472555165, ClinGen allele CA2580070001.
Genomic context (GRCh38, chr3:49,130,870, plus strand): 5'-CTCGCAGTTGAGGCCACGTGTGTTGTGTTTGCAGATGCAAGCTCCGTGCACCTATAGAGG[T>C]TGGCAGGTAGGTTGTCAGCACTGCTCAGCCATGTCCGCCCCTGCCCCTAGCCCTATCCCA-3'